The following is an entry in ClinVar:

NM_000069.3(CACNA1S):c.1342T>C (p.Ser448Pro)

Gene: CACNA1S (calcium voltage-gated channel subunit alpha1 S; minus strand). Cytogenetic location: 1q32.1.
Variant type: single nucleotide variant.
Coding change: c.1342T>C on transcript NM_000069.3 (MANE Select); coding-DNA position 1342, T replaced by C.
Protein change: p.Ser448Pro; replaces serine 448 with proline.
Molecular consequence: missense variant.
Genome position (GRCh38, 1-based): chr1:201,083,213, A>G on the plus strand (T>C on the coding strand, the complement: CACNA1S is on the minus strand). VCF-style: chr1-201083213-A-G. GRCh37 (hg19) VCF-style: chr1-201052341-A-G.
Other names: short protein forms S448P.
Identifiers: ClinVar variation 3072015 (VCV003072015.1), dbSNP rs1447161585, ClinGen allele CA344125430.

ClinVar aggregate classification (germline): Uncertain significance (1 of 4 stars; one submission).

Conditions:
Malignant hyperthermia, susceptibility to, 5 (MHS5). Also called: CACNA1S-Related Malignant Hyperthermia Susceptibility. Identifiers: Orphanet 423, MedGen C1866077, MONDO:0011163, OMIM 601887.

Allele frequency attached by ClinVar (database versions not stated): gnomAD exomes below 0.00001.
gnomAD v4.1: 1 of 1,614,214 alleles (0.000062%); highest among the groups gnomAD compares: Admixed American, 0.0017%; no homozygotes.

Submission:

All of Us Research Program, National Institutes of Health
Classification: Uncertain significance for Malignant hyperthermia, susceptibility to, 5. Last evaluated: 2023-06-26. Review status: criteria provided, single submitter. Criteria: ACMG Guidelines, 2015. Collection method: clinical testing. Allele origin: germline. Inheritance: Autosomal dominant inheritance. Observed: 1 variant allele, 1 heterozygote.
Comment: This missense variant replaces serine with proline at codon 448 of the CACNA1S protein. Computational prediction suggests that this variant may have deleterious impact on protein structure and function (internally defined REVEL score threshold >= 0.7, PMID: 27666373). To our knowledge, functional studies have not been reported for this variant. This variant has not been reported in individuals affected with CACNA1S-related disorders in the literature. This variant has been identified in 1/251458 chromosomes in the general population by the Genome Aggregation Database (gnomAD). The available evidence is insufficient to determine the role of this variant in disease conclusively. Therefore, this variant is classified as a Variant of Uncertain Significance.

This study involves interpretation of variants in research participants for the purpose of population health screening. Participant phenotype was not available at the time of variant classification. Additional details can be found in publication PMID: 35346344, PMCID: PMC8962531